The following is an entry in ClinVar:

ClinVar aggregate classification (germline): Uncertain significance (1 of 4 stars; one submission).

gnomAD v4.1: 7 of 1,558,166 alleles (0.00045%); highest among the groups gnomAD compares: African/African-American, 0.0068%; no homozygotes.

Submission:

Labcorp Genetics (formerly Invitae), Labcorp
Classification: Uncertain significance. Last evaluated: 2024-04-24. Review status: criteria provided, single submitter. Criteria: Invitae Variant Classification Sherloc (09022015). Collection method: clinical testing. Allele origin: germline.
Comment: This sequence change falls in intron 5 of the AK7 gene. It does not directly change the encoded amino acid sequence of the AK7 protein. It affects a nucleotide within the consensus splice site. This variant is present in population databases (no rsID available, gnomAD 0.02%). This variant has not been reported in the literature in individuals affected with AK7-related conditions. Variants that disrupt the consensus splice site are a relatively common cause of aberrant splicing (PMID: 17576681, 9536098). Algorithms developed to predict the effect of sequence changes on RNA splicing suggest that this variant is not likely to affect RNA splicing. In summary, the available evidence is currently insufficient to determine the role of this variant in disease. Therefore, it has been classified as a Variant of Uncertain Significance.

Literature cited by the submitters: PubMed 17576681; PubMed 9536098.

NM_152327.5(AK7):c.609+5G>A

Gene: AK7 (adenylate kinase 7; plus strand). Cytogenetic location: 14q32.2.
Variant type: single nucleotide variant.
Coding change: c.609+5G>A on transcript NM_152327.5 (MANE Select); 5 bases into the intron after coding-DNA position 609, G replaced by A.
Molecular consequence: intron variant.
Genome position (GRCh38, 1-based): chr14:96,420,937, G>A. VCF-style: chr14-96420937-G-A. GRCh37 (hg19) VCF-style: chr14-96887274-G-A.
Other names: c.609+5G>A (NM_001350888.2, NM_001350890.2, NM_001350892.2 and 1 more transcripts).
Identifiers: ClinVar variation 3692214 (VCV003692214.2).
Genomic context (GRCh38, chr14:96,420,937, plus strand): 5'-CTAATTTTCTGGACCACATAAATGCTGAAAAAATGGTTCTCAAATTTGGAAAAAAGGTAA[G>A]TCTGGCATAGTGGAACATGGACATCATCTGAAGTCTTTAAACATCTCTTTGTGTGGTTTC-3'